The following is an entry in ClinVar:

ClinVar aggregate classification (germline): Benign. Review status: criteria provided, single submitter (1 of 4 stars). 2 submissions from 2 submitters: Benign (1). 1 of the submissions does not count toward it. Last evaluated 2025-07-07.

Conditions:
ATP2B4-related disorder. Also called: ATP2B4-related condition.

Allele frequency attached by ClinVar (database versions not stated): gnomAD exomes 0.00017 and 0.00045; ExAC 0.00064; gnomAD 0.00182 and 0.00193; ESP Exome Variant Server 0.00185; 1000 Genomes Project 30x 0.00203; TOPMed 0.00204; 1000 Genomes Project 0.00240.
gnomAD v4.1: 534 of 1,614,134 alleles (0.033%); highest among the groups gnomAD compares: African/African-American, 0.64%; 3 homozygotes.

Submissions (2):

Labcorp Genetics (formerly Invitae), Labcorp
Classification: Benign. Last evaluated: 2025-07-07. Review status: criteria provided, single submitter. Criteria: Invitae Variant Classification Sherloc (09022015). Collection method: clinical testing. Allele origin: germline.

PreventionGenetics, part of Exact Sciences
Classification: Likely benign for ATP2B4-related condition. Last evaluated: 2019-06-19. Review status: no assertion criteria provided. Collection method: clinical testing. Allele origin: germline. Not counted in ClinVar's aggregate classification.
Comment: This variant is classified as likely benign based on ACMG/AMP sequence variant interpretation guidelines (Richards et al. 2015 PMID: 25741868, with internal and published modifications).

NM_001684.5(ATP2B4):c.1846A>C (p.Asn616His)

Gene: ATP2B4 (ATPase plasma membrane Ca2+ transporting 4; plus strand). Cytogenetic location: 1q32.1.
Variant type: single nucleotide variant.
Coding change: c.1846A>C on transcript NM_001684.5 (MANE Select); coding-DNA position 1846, A replaced by C.
Protein change: p.Asn616His; replaces asparagine 616 with histidine.
Molecular consequence: missense variant.
Genome position (GRCh38, 1-based): chr1:203,710,923, A>C. VCF-style: chr1-203710923-A-C. GRCh37 (hg19) VCF-style: chr1-203680051-A-C.
Other names: c.1846A>C, p.Asn616His (NM_001001396.3, NM_001365783.2, NM_001365784.2); c.1846A>C (NM_001001396.2); short protein forms N616H.
Identifiers: ClinVar variation 1601706 (VCV001601706.11), dbSNP rs143539533, ClinGen allele CA1341716.